The following is an entry in ClinVar:

ClinVar aggregate classification (germline): Uncertain significance. Review status: criteria provided, multiple submitters, no conflicts (2 of 4 stars). 3 submissions from 3 submitters: Uncertain significance (3). Last evaluated 2026-08-12.

Conditions:
Inborn genetic diseases. Identifiers: MedGen C0950123, MeSH D030342.
Familial focal epilepsy with variable foci (FPEVF). Identifiers: Orphanet 98820, MedGen C1858477, MONDO:0020310.

gnomAD v4.1: 1 of 1,611,418 alleles (0.000062%); no homozygotes.

Submissions (3):

Ambry Genetics
Classification: Uncertain significance for Inborn genetic diseases. Last evaluated: 2026-08-12. Review status: criteria provided, single submitter. Criteria: Ambry Variant Classification Scheme 2023. Collection method: clinical testing. Allele origin: germline.

GeneDx
Classification: Uncertain significance. Last evaluated: 2024-05-29. Review status: criteria provided, single submitter. Criteria: GeneDx Variant Classification Process June 2021. Collection method: clinical testing. Allele origin: germline. Affected: yes.
Comment: Not observed at significant frequency in large population cohorts (gnomAD); In silico analysis supports that this missense variant has a deleterious effect on protein structure/function; Has not been previously published as pathogenic or benign to our knowledge

Labcorp Genetics (formerly Invitae), Labcorp
Classification: Uncertain significance for Familial focal epilepsy with variable foci. Last evaluated: 2023-10-29. Review status: criteria provided, single submitter. Criteria: Invitae Variant Classification Sherloc (09022015). Collection method: clinical testing. Allele origin: germline.
Comment: This sequence change replaces threonine, which is neutral and polar, with isoleucine, which is neutral and non-polar, at codon 300 of the DEPDC5 protein (p.Thr300Ile). This variant is not present in population databases (gnomAD no frequency). This variant has not been reported in the literature in individuals affected with DEPDC5-related conditions. Experimental studies and prediction algorithms are not available or were not evaluated, and the functional significance of this variant is currently unknown. In summary, the available evidence is currently insufficient to determine the role of this variant in disease. Therefore, it has been classified as a Variant of Uncertain Significance.

NM_001242896.3(DEPDC5):c.899C>T (p.Thr300Ile)

Gene: DEPDC5 (DEP domain containing 5, GATOR1 subcomplex subunit; plus strand). Cytogenetic location: 22q12.2.
Variant type: single nucleotide variant.
Coding change: c.899C>T on transcript NM_001242896.3 (MANE Select); coding-DNA position 899, C replaced by T.
Protein change: p.Thr300Ile; replaces threonine 300 with isoleucine.
Molecular consequence: missense variant. On other transcripts: non-coding transcript variant (5).
Genome position (GRCh38, 1-based): chr22:31,798,609, C>T. VCF-style: chr22-31798609-C-T. GRCh37 (hg19) VCF-style: chr22-32194595-C-T.
Other names: c.899C>T (NM_001242896.1); c.899C>T, p.Thr300Ile (NM_001007188.4, NM_001136029.4, NM_001242897.2 and 7 more transcripts); c.815C>T, p.Thr272Ile (NM_001369901.1, NM_001369902.1); short protein forms T272I, T300I.
Identifiers: ClinVar variation 2891357 (VCV002891357.5), dbSNP rs2518768220, ClinGen allele CA411291631.